The following is an entry in ClinVar:

NM_004727.3(SLC24A1):c.2158C>G (p.Leu720Val)

Gene: SLC24A1 (solute carrier family 24 member 1; plus strand). Cytogenetic location: 15q22.31.
Variant type: single nucleotide variant.
Coding change: c.2158C>G on transcript NM_004727.3 (MANE Select); coding-DNA position 2158, C replaced by G.
Protein change: p.Leu720Val; replaces leucine 720 with valine.
Molecular consequence: missense variant.
Genome position (GRCh38, 1-based): chr15:65,645,629, C>G. VCF-style: chr15-65645629-C-G. GRCh37 (hg19) VCF-style: chr15-65937967-C-G.
Other names: c.139C>G, p.Leu47Val (NM_001254740.2); c.2158C>G, p.Leu720Val (NM_001301031.1); c.2104C>G, p.Leu702Val (NM_001301032.1, NM_001301033.2); short protein forms L47V, L702V, L720V.
Identifiers: ClinVar variation 843908 (VCV000843908.10), dbSNP rs371316609, ClinGen allele CA271567928.

ClinVar aggregate classification (germline): Uncertain significance. Review status: criteria provided, multiple submitters, no conflicts (2 of 4 stars). 2 submissions from 2 submitters: Uncertain significance (2). Last evaluated 2024-11-01.

Conditions:
Inborn genetic diseases. Identifiers: MedGen C0950123, MeSH D030342.

Allele frequency attached by ClinVar (database versions not stated): gnomAD exomes below 0.00001 and 0.00001; gnomAD 0.00003; TOPMed 0.00006; ESP Exome Variant Server 0.00016.
gnomAD v4.1: 9 of 1,572,506 alleles (0.00057%); highest among the groups gnomAD compares: African/African-American, 0.012%; no homozygotes.

Submissions (2):

Labcorp Genetics (formerly Invitae), Labcorp
Classification: Uncertain significance. Last evaluated: 2024-11-01. Review status: criteria provided, single submitter. Criteria: Invitae Variant Classification Sherloc (09022015). Collection method: clinical testing. Allele origin: germline.
Comment: This sequence change replaces leucine, which is neutral and non-polar, with valine, which is neutral and non-polar, at codon 720 of the SLC24A1 protein (p.Leu720Val). This variant is present in population databases (rs371316609, gnomAD 0.02%). This variant has not been reported in the literature in individuals affected with SLC24A1-related conditions. ClinVar contains an entry for this variant (Variation ID: 843908). An algorithm developed to predict the effect of missense changes on protein structure and function (PolyPhen-2) suggests that this variant is likely to be tolerated. In summary, the available evidence is currently insufficient to determine the role of this variant in disease. Therefore, it has been classified as a Variant of Uncertain Significance.

Ambry Genetics
Classification: Uncertain significance for Inborn genetic diseases. Last evaluated: 2021-07-28. Review status: criteria provided, single submitter. Criteria: Ambry Variant Classification Scheme 2023. Collection method: clinical testing. Allele origin: germline.